The following is an entry in ClinVar:

ClinVar aggregate classification (germline): Uncertain significance. Review status: criteria provided, multiple submitters, no conflicts (2 of 4 stars). 2 submissions from 2 submitters: Uncertain significance (2). Last evaluated 2024-10-24.

Conditions:
Cohen syndrome (COH1). Also called: PEPPER SYNDROME; Cutis verticis gyrata, retinitis pigmentosa, and sensorineural deafness. Identifiers: Orphanet 193, MedGen C0265223, MONDO:0008999, OMIM 216550.

Submissions (2):

Labcorp Genetics (formerly Invitae), Labcorp
Classification: Uncertain significance for Cohen syndrome. Last evaluated: 2024-10-24. Review status: criteria provided, single submitter. Criteria: Invitae Variant Classification Sherloc (09022015). Collection method: clinical testing. Allele origin: germline.
Comment: This sequence change replaces isoleucine, which is neutral and non-polar, with valine, which is neutral and non-polar, at codon 2811 of the VPS13B protein (p.Ile2811Val). This variant is not present in population databases (gnomAD no frequency). This variant has not been reported in the literature in individuals affected with VPS13B-related conditions. Invitae Evidence Modeling of protein sequence and biophysical properties (such as structural, functional, and spatial information, amino acid conservation, physicochemical variation, residue mobility, and thermodynamic stability) indicates that this missense variant is not expected to disrupt VPS13B protein function with a negative predictive value of 80%. In summary, the available evidence is currently insufficient to determine the role of this variant in disease. Therefore, it has been classified as a Variant of Uncertain Significance.

Blueprint Genetics
Classification: Uncertain significance. Last evaluated: 2024-09-09. Review status: criteria provided, single submitter. Criteria: ACMG Guidelines, 2015. Collection method: clinical testing. Allele origin: germline.

NM_152564.5(VPS13B):c.8356A>G (p.Ile2786Val)

Gene: VPS13B (vacuolar protein sorting 13 homolog B; plus strand). Cytogenetic location: 8q22.2.
Variant type: single nucleotide variant.
Coding change: c.8356A>G on transcript NM_152564.5 (MANE Select); coding-DNA position 8356, A replaced by G.
Protein change: p.Ile2786Val; replaces isoleucine 2786 with valine.
Molecular consequence: missense variant.
Genome position (GRCh38, 1-based): chr8:99,817,798, A>G. VCF-style: chr8-99817798-A-G. GRCh37 (hg19) VCF-style: chr8-100830026-A-G.
Other names: c.8431A>G, p.Ile2811Val (NM_017890.5); short protein forms I2786V, I2811V.
Identifiers: ClinVar variation 3671181 (VCV003671181.3).
Genomic context (GRCh38, chr8:99,817,798, plus strand): 5'-GATGAAGACTGGTCAAGAGATGTGTGCCTGGAATCCAAAGCCCCTGAGTACAGCATTGTC[A>G]TTCAGGTTTGAAAAGACGTTCAATCTAGAATAGAGCAGCTTTACCATTGAAATTTTCTCA-3'
Protein context (NP_689777.3, residues 2776-2796): ESKAPEYSIV[Ile2786Val]QVPSSNSSII